The following is an entry in ClinVar:

ClinVar aggregate classification (germline): Likely pathogenic (1 of 4 stars; one submission).

Conditions:
Marfan syndrome (MFS). Also called: Marfan syndrome, classic; FBN1-Related Marfan Syndrome; Marfan syndrome type 1; Marfan's syndrome; MARFAN SYNDROME, TYPE I. Identifiers: Orphanet 284963, Orphanet 558, MedGen C0024796, MONDO:0007947, OMIM 154700.

Submission:

Laboratory for Molecular Medicine, Mass General Brigham Personalized Medicine
Classification: Likely pathogenic for Marfan syndrome. Last evaluated: 2015-08-27. Review status: criteria provided, single submitter. Criteria: LMM Criteria. Collection method: clinical testing. Allele origin: germline. Inheritance: Autosomal dominant inheritance. Observed: 1 variant allele.
Comment: proposed classification - variant undergoing re-assessment, contact laboratory

NM_000138.5(FBN1):c.8473_8475del (p.Gly2825del)

Gene: FBN1 (fibrillin 1; minus strand). Cytogenetic location: 15q21.1.
Variant type: Deletion.
Coding change: c.8473_8475del on transcript NM_000138.5 (MANE Select); coding-DNA positions 8473 to 8475, 3 bases deleted (GGA; older notation c.8473_8475delGGA).
Protein change: p.Gly2825del; deletes glycine 2825.
Molecular consequence: inframe deletion.
Genome position (GRCh38, 1-based): chr15:48,411,131-48,411,133, TCC deleted on the plus strand (GGA on the coding strand, the reverse complement: FBN1 is on the minus strand). VCF-style (leftmost placement, unchanged base first): chr15-48411130-TTCC-T. GRCh37 (hg19) VCF-style: chr15-48703327-TTCC-T.
Other names: c.8473_8475delGGA (NM_000138.4); short protein forms G2825del.
Identifiers: ClinVar variation 178674 (VCV000178674.4), dbSNP rs727504454, ClinGen allele CA017763.